The following is an entry in ClinVar:

NM_024426.6(WT1):c.427T>A (p.Ser143Thr)

Genes: WT1 (WT1 transcription factor; minus strand), LOC107982234 (WT1/WT1-AS bi-directional promoter region; plus strand). Cytogenetic location: 11p13.
Variant type: single nucleotide variant.
Coding change: c.427T>A on transcript NM_024426.6 (MANE Select); coding-DNA position 427, T replaced by A.
Protein change: p.Ser143Thr; replaces serine 143 with threonine.
Molecular consequence: missense variant. On other transcripts: non-coding transcript variant (2).
Genome position (GRCh38, 1-based): chr11:32,434,934, A>T on the plus strand (T>A on the coding strand, the complement: WT1 is on the minus strand). VCF-style: chr11-32434934-A-T. GRCh37 (hg19) VCF-style: chr11-32456480-A-T.
Other names: c.427T>A, p.Ser143Thr (NM_000378.6, NM_001407044.1, NM_001407045.1 and 6 more transcripts); c.208T>A, p.Ser70Thr (NM_001429031.1, NM_001429032.1, NM_001429033.1 and 1 more transcripts); short protein forms S138T, S143T, S70T.
Identifiers: ClinVar variation 4843807 (VCV004843807.1).
Genomic context (GRCh38, chr11:32,434,934, plus strand): 5'-TCAGGCACTGCTCCTCGTGCGGCTCCGCGCCGCCCCAGCTCGGCTCCTGTTTGATGAAGG[A>T]GTGAGGCGGCGGCGGCGGGGGTGGCGGCGGAGCCGGTGGCGGCGCGGGGCCGCCCAACGA-3'
Protein context (NP_077744.4, residues 133-153): PPPPPPPPPH[Ser143Thr]FIKQEPSWGG

ClinVar aggregate classification (germline): Uncertain significance (1 of 4 stars; one submission).

Conditions:
Inborn genetic diseases. Identifiers: MedGen C0950123, MeSH D030342.

gnomAD v4.1: 1 of 1,595,772 alleles (0.000063%); highest among the groups gnomAD compares: Non-Finnish European, 0.000085%; no homozygotes.

Submission:

Ambry Genetics
Classification: Uncertain significance for Inborn genetic diseases. Last evaluated: 2025-12-29. Review status: criteria provided, single submitter. Criteria: Ambry Variant Classification Scheme 2023. Collection method: clinical testing. Allele origin: germline.
Comment: The p.S138T variant (also known as c.412T>A), located in coding exon 1 of the WT1 gene, results from a T to A substitution at nucleotide position 412. The serine at codon 138 is replaced by threonine, an amino acid with similar properties. This amino acid position is conserved. In addition, this alteration is predicted to be tolerated by in silico analysis. Based on the available evidence, the clinical significance of this variant remains unclear.